The following is an entry in ClinVar:

NM_182920.2(ADAMTS9):c.4870-2A>G

Gene: ADAMTS9 (ADAM metallopeptidase with thrombospondin type 1 motif 9; minus strand). Cytogenetic location: 3p14.1.
Variant type: single nucleotide variant.
Coding change: c.4870-2A>G on transcript NM_182920.2 (MANE Select); the canonical splice acceptor site of the intron before coding-DNA position 4870, A replaced by G.
Molecular consequence: splice acceptor variant.
Genome position (GRCh38, 1-based): chr3:64,546,954, T>C on the plus strand (A>G on the coding strand, the complement: ADAMTS9 is on the minus strand). VCF-style: chr3-64546954-T-C. GRCh37 (hg19) VCF-style: chr3-64532630-T-C.
Other names: c.4786-2A>G (NM_001318781.2).
Identifiers: ClinVar variation 2632360 (VCV002632360.1), dbSNP rs2471238010, ClinGen allele CA353446202.
Genomic context (GRCh38, chr3:64,546,954, plus strand): 5'-TAAATCTCGCTGCACGAGACAAGCCTTTGTTTGTAGCCTTTTCCACAGGTCACTGAGCAC[T>C]GCAAAGACAGGGATTGAGAGGAGAGGTTCGAGCAGTTCCTGGGGGCAGCCCACAATAGGC-3'

ClinVar aggregate classification (germline): Uncertain significance (1 of 4 stars; one submission).

Conditions:
ADAMTS9-related disorder. Also called: ADAMTS9-related condition.

Submission:

PreventionGenetics, part of Exact Sciences
Classification: Uncertain significance for ADAMTS9-related condition. Last evaluated: 2023-06-27. Review status: criteria provided, single submitter. Criteria: ACMG Guidelines, 2015. Collection method: clinical testing. Allele origin: germline.
Comment: The ADAMTS9 c.4870-2A>G variant is predicted to disrupt the AG splice acceptor site and interfere with normal splicing. To our knowledge, this variant has not been reported in the literature or in a large population database, indicating this variant is rare. Few chain-terminating variants in ADAMTS9 are reported and loss of function has not been conclusively established as a mechanism for ADAMTS9-related disorders. At this time, the clinical significance of this variant is uncertain due to the absence of conclusive functional and genetic evidence.